The following is an entry in ClinVar:

NM_000038.6(APC):c.430C>T (p.Leu144Phe)

Gene: APC (APC regulator of Wnt signaling pathway; plus strand). Cytogenetic location: 5q22.2.
Variant type: single nucleotide variant.
Coding change: c.430C>T on transcript NM_000038.6 (MANE Select); coding-DNA position 430, C replaced by T.
Protein change: p.Leu144Phe; replaces leucine 144 with phenylalanine.
Molecular consequence: missense variant. On other transcripts: 5 prime UTR variant (1).
Genome position (GRCh38, 1-based): chr5:112,775,636, C>T. VCF-style: chr5-112775636-C-T. GRCh37 (hg19) VCF-style: chr5-112111333-C-T.
Other names: c.430C>T, p.Leu144Phe (NM_001127510.3, NM_001354895.2, NM_001354896.2 and 2 more transcripts); c.460C>T, p.Leu154Phe (NM_001127511.3, NM_001354897.2, NM_001354902.2); c.355C>T, p.Leu119Phe (NM_001354898.2, NM_001354904.2); c.253C>T, p.Leu85Phe (NM_001354900.2, NM_001354901.2, NM_001354905.2); c.-606C>T (NM_001354906.2); short protein forms L119F, L144F, L154F, L85F.
Identifiers: ClinVar variation 1686446 (VCV001686446.3), dbSNP rs2149614495, ClinGen allele CA16022264.

ClinVar aggregate classification (germline): Uncertain significance. Review status: criteria provided, multiple submitters, no conflicts (2 of 4 stars). 2 submissions from 2 submitters: Uncertain significance (2). Last evaluated 2024-01-05.

Conditions:
Hereditary cancer-predisposing syndrome. Also called: Hereditary Cancer Syndrome; Hereditary neoplastic syndrome; Neoplastic Syndromes, Hereditary; Tumor predisposition. Identifiers: Orphanet 140162, MedGen C0027672, MeSH D009386, MONDO:0015356.

gnomAD v4.1: 1 of 1,595,078 alleles (0.000063%); highest among the groups gnomAD compares: Non-Finnish European, 0.000086%; no homozygotes.

Submissions (2):

Ambry Genetics
Classification: Uncertain significance for Hereditary cancer-predisposing syndrome. Last evaluated: 2024-01-05. Review status: criteria provided, single submitter. Criteria: Ambry Variant Classification Scheme 2023. Collection method: clinical testing. Allele origin: germline.
Comment: The p.L144F variant (also known as c.430C>T), located in coding exon 4 of the APC gene, results from a C to T substitution at nucleotide position 430. The leucine at codon 144 is replaced by phenylalanine, an amino acid with highly similar properties. This amino acid position is highly conserved in available vertebrate species. In addition, in silico predictors for this gene do not accurately predict pathogenicity. Since supporting evidence is limited at this time, the clinical significance of this alteration remains unclear.

Mendelics
Classification: Uncertain significance. Last evaluated: 2022-05-04. Review status: criteria provided, single submitter. Criteria: Mendelics Assertion Criteria 2019. Collection method: clinical testing. Allele origin: germline.